The following is an entry in ClinVar:

NM_000875.5(IGF1R):c.358T>G (p.Phe120Val)

Gene: IGF1R (insulin like growth factor 1 receptor; plus strand). Cytogenetic location: 15q26.3.
Variant type: single nucleotide variant.
Coding change: c.358T>G on transcript NM_000875.5 (MANE Select); coding-DNA position 358, T replaced by G.
Protein change: p.Phe120Val; replaces phenylalanine 120 with valine.
Molecular consequence: missense variant.
Genome position (GRCh38, 1-based): chr15:98,707,825, T>G. VCF-style: chr15-98707825-T-G. GRCh37 (hg19) VCF-style: chr15-99251054-T-G.
Other names: c.358T>G, p.Phe120Val (NM_001291858.2); short protein forms F120V.
Identifiers: ClinVar variation 452581 (VCV000452581.2), dbSNP rs1555434205, ClinGen allele CA393697098.

ClinVar aggregate classification (germline): Uncertain significance (1 of 4 stars; one submission).

Submission:

GeneDx
Classification: Uncertain significance. Last evaluated: 2017-10-30. Review status: criteria provided, single submitter. Criteria: GeneDx Variant Classification (06012015). Collection method: clinical testing. Allele origin: germline. Affected: yes.
Comment: The F120V variant in the IGF1R gene has not been reported previously as a pathogenic variant, nor as a benign variant, to our knowledge. The F120V variant is not observed in large population cohorts (Lek et al., 2016). The F120V variant is a semi-conservative amino acid substitution, which may impact secondary protein structure as these residues differ in some properties. This substitution occurs at a position that is conserved across species. In silico analysis predicts this variant is probably damaging to the protein structure/function. We interpret F120V as a variant of uncertain significance.